The following is an entry in ClinVar:

ClinVar aggregate classification (germline): Conflicting classifications of pathogenicity. Review status: criteria provided, conflicting classifications (1 of 4 stars). 7 submissions from 7 submitters: Uncertain significance (3); Likely benign (2). 2 of the submissions do not count toward it. Last evaluated 2026-01-12.

Conditions:
Dyskeratosis congenita. Identifiers: Orphanet 1775, MedGen C0265965, MONDO:0015780.
RTEL1-related disorder. Also called: RTEL1-related disorders; RTEL1-related condition.
Dyskeratosis congenita, autosomal recessive 5 (DKCB5). Identifiers: MedGen C3554656, MONDO:0014076, OMIM 615190.
Pulmonary fibrosis and/or bone marrow failure, Telomere-related, 3. Also called: PULMONARY FIBROSIS AND/OR BONE MARROW FAILURE SYNDROME, TELOMERE-RELATED, 3. Identifiers: Orphanet 2032, MedGen C4225346, MONDO:0014613, OMIM 616373.

Allele frequency attached by ClinVar (database versions not stated): TOPMed 0.00011; gnomAD exomes 0.00015 and 0.00023; gnomAD 0.00019; ESP Exome Variant Server 0.00023; ExAC 0.00025; 1000 Genomes Project 30x 0.00031; 1000 Genomes Project 0.00040.

Submissions (7):

Labcorp Genetics (formerly Invitae), Labcorp
Classification: Uncertain significance for Dyskeratosis congenita, autosomal recessive 5; Pulmonary fibrosis and/or bone marrow failure, Telomere-related, 3. Last evaluated: 2026-01-12. Review status: criteria provided, single submitter. Criteria: Invitae Variant Classification Sherloc (09022015). Collection method: clinical testing. Allele origin: germline.
Comment: This sequence change replaces arginine, which is basic and polar, with histidine, which is basic and polar, at codon 1068 of the RTEL1 protein (p.Arg1068His). This variant is present in population databases (rs137914057, gnomAD 0.09%). This variant has not been reported in the literature in individuals affected with RTEL1-related conditions. This variant is also known as NM_032957.4:c.3275G>A (p.Arg1092His). ClinVar contains an entry for this variant (Variation ID: 969248). An algorithm developed to predict the effect of missense changes on protein structure and function outputs the following: PolyPhen-2: "Benign". The histidine amino acid residue is found in multiple mammalian species, which suggests that this missense change does not adversely affect protein function. In summary, the available evidence is currently insufficient to determine the role of this variant in disease. Therefore, it has been classified as a Variant of Uncertain Significance.

GeneDx
Classification: Uncertain significance. Last evaluated: 2025-08-27. Review status: criteria provided, single submitter. Criteria: GeneDx Variant Classification Process June 2021. Collection method: clinical testing. Allele origin: germline. Affected: yes.
Comment: In silico analysis suggests that this missense variant does not alter protein structure/function; Has not been previously published as pathogenic or benign to our knowledge

ARUP Laboratories, Molecular Genetics and Genomics, ARUP Laboratories
Classification: Uncertain significance. Last evaluated: 2025-05-15. Review status: criteria provided, single submitter. Criteria: ARUP Molecular Germline Variant Investigation Process 2024. Collection method: clinical testing. Allele origin: germline.
Comment: The RTEL1 c.3275G>A; p.Arg1092His variant (rs137914057), to our knowledge, is not reported in the medical literature but is reported in ClinVar (Variation ID: 969248). This variant is found in the general population with an overall allele frequency of 0.02% (63/279808 alleles) in the Genome Aggregation Database (v2.1.1). Computational analyses are uncertain whether this variant is neutral or deleterious (REVEL: 0.187). Due to limited information, the clinical significance of this variant is uncertain at this time.

Blueprint Genetics
Classification: Likely benign. Last evaluated: 2024-10-29. Review status: criteria provided, single submitter. Criteria: ACMG Guidelines, 2015. Collection method: clinical testing. Allele origin: germline.

CeGaT Center for Human Genetics Tuebingen
Classification: Likely benign. Last evaluated: 2023-03-01. Review status: criteria provided, single submitter. Criteria: CeGaT Center For Human Genetics Tuebingen Variant Classification Criteria Version 2. Collection method: clinical testing. Allele origin: germline. Affected: yes. Observed: 1 variant allele.
Comment: RTEL1: PM2:Supporting, BP2, BP4

PreventionGenetics, part of Exact Sciences
Classification: Uncertain significance for RTEL1-related condition. Last evaluated: 2024-02-09. Review status: no assertion criteria provided. Collection method: clinical testing. Allele origin: germline. Not counted in ClinVar's aggregate classification.
Comment: The RTEL1 c.3275G>A variant is predicted to result in the amino acid substitution p.Arg1092His. To our knowledge, this variant has not been reported in the literature. This variant is reported in 0.088% of alleles in individuals of Ashkenazi Jewish descent in gnomAD. At this time, the clinical significance of this variant is uncertain due to the absence of conclusive functional and genetic evidence.

Natera, Inc.
Classification: Uncertain significance for Dyskeratosis congenita. Last evaluated: 2020-01-23. Review status: no assertion criteria provided. Collection method: clinical testing. Allele origin: germline. Not counted in ClinVar's aggregate classification.

NM_001283009.2(RTEL1):c.3203G>A (p.Arg1068His)

Genes: RTEL1 (regulator of telomere elongation helicase 1; plus strand), RTEL1-TNFRSF6B (RTEL1-TNFRSF6B readthrough (NMD candidate); plus strand). Cytogenetic location: 20q13.33.
Variant type: single nucleotide variant.
Coding change: c.3203G>A on transcript NM_001283009.2 (MANE Select); coding-DNA position 3203, G replaced by A.
Protein change: p.Arg1068His; replaces arginine 1068 with histidine.
Molecular consequence: missense variant. On other transcripts: non-coding transcript variant (1).
Genome position (GRCh38, 1-based): chr20:63,694,834, G>A. VCF-style: chr20-63694834-G-A. GRCh37 (hg19) VCF-style: chr20-62326187-G-A.
Other names: c.2534G>A, p.Arg845His (NM_001283010.1); c.3203G>A, p.Arg1068His (NM_016434.4); c.3275G>A, p.Arg1092His (NM_032957.5); c.3275G>A (NM_032957.4); short protein forms R1092H, R1068H, R845H.
Identifiers: ClinVar variation 969248 (VCV000969248.34), dbSNP rs137914057, ClinGen allele CA9965904.